The following is an entry in ClinVar:

ClinVar aggregate classification (germline): VUS-high (1 of 4 stars; one submission).

Conditions:
Breast-ovarian cancer, familial, susceptibility to, 1 (BROVCA1). Also called: OVARIAN CANCER, SUSCEPTIBILITY TO; BRCA1 Hereditary Breast and Ovarian Cancer. Identifiers: Orphanet 145, MedGen C2676676, MONDO:0011450, OMIM 604370. Disease mechanism: loss of function.

Submission:

Dr. Zeinali's Medical Genetics Lab, Kawsar Human Genetics Research Center
Classification: VUS-high for Breast-ovarian cancer, familial, susceptibility to, 1. Last evaluated: 2026-07-01. Review status: criteria provided, single submitter. Criteria: ACMG Guidelines, 2015. Collection method: clinical testing. Allele origin: germline. Inheritance: Autosomal dominant inheritance. Affected: yes. Observed: 2 variant alleles, 2 heterozygotes.
Comment: This missense variant is located within the splice region of the BRCA1 gene and is predicted to potentially affect normal RNA splicing. The variant is absent from large population databases, including gnomAD and NHLBI ESP, supporting its rarity (PM2). Multiple in silico computational prediction tools consistently indicate a deleterious impact on gene function and/or splicing (PP3). Variant is not confirmed de novo. Both individuals present with a phenotype strongly associated with BRCA1-related hereditary cancer predisposition. Although the presence of disease in two unrelated individuals supports a potential role of this variant, the current evidence is insufficient to establish a definitive causal relationship. To date, no functional studies or segregation analyses have been performed to confirm the impact of this variant on protein function or RNA splicing. Based on the currently available evidence, this variant is classified as a Variant of Uncertain Significance (VUS), pending additional functional validation and segregation data.

Literature cited by the submitters: PubMed 36413997; PubMed 20301425.

NM_007294.4(BRCA1):c.134+5del

Gene: BRCA1 (BRCA1 DNA repair associated; minus strand). Cytogenetic location: 17q21.31.
Variant type: Deletion.
Coding change: c.134+5del on transcript NM_007294.4 (MANE Select); 5 bases into the intron after coding-DNA position 134, one base deleted (G; older notation c.134+5delG).
Molecular consequence: intron variant.
Genome position (GRCh38, 1-based): chr17:43,115,721, C deleted on the plus strand (G on the coding strand, the reverse complement: BRCA1 is on the minus strand). VCF-style (leftmost placement, unchanged base first): chr17-43115720-AC-A. GRCh37 (hg19) VCF-style: chr17-41267737-AC-A.
Other names: c.-8+8296del (NM_001408467.1, NM_001408459.1, NM_001407945.1 and 23 more transcripts); c.134+5del (NM_001408475.1, NM_001407875.1, NM_001407659.1 and 191 more transcripts); c.-55+5del (NM_001408509.1, NM_001407895.1, NM_001408508.1 and 52 more transcripts); c.-286+5del (NM_001407965.1); c.-124+5del (NM_001407930.1, NM_001407843.1, NM_001408456.1 and 13 more transcripts); c.-128+5del (NM_001408465.1, NM_001407695.1); c.-8+5del (NM_001407920.1, NM_001408504.1, NM_001408463.1 and 47 more transcripts); c.-8+5837del (NM_001407751.1, NM_001407726.1); and 10 more.
Identifiers: ClinVar variation 4880487 (VCV004880487.1).